The following is an entry in ClinVar:

ClinVar aggregate classification (germline): Conflicting classifications of pathogenicity. Review status: criteria provided, conflicting classifications (1 of 4 stars). 25 submissions from 25 submitters: Uncertain significance (1); Benign (4); Likely benign (12). 8 of the submissions do not count toward it. Last evaluated 2026-07-01.

Conditions:
Hereditary nonpolyposis colorectal neoplasms. Identifiers: MedGen C0009405, MeSH D003123.
Breast and/or ovarian cancer. Identifiers: MedGen CN221562.
Hereditary cancer-predisposing syndrome. Also called: Neoplastic Syndromes, Hereditary; Tumor predisposition; Hereditary neoplastic syndrome; Hereditary Cancer Syndrome. Identifiers: Orphanet 140162, MedGen C0027672, MeSH D009386, MONDO:0015356.
Lynch syndrome. Identifiers: Orphanet 144, MedGen C4552100, MONDO:0005835. Disease mechanism: loss of function.
Lynch syndrome 5 (LYNCH5). Also called: Colorectal cancer, hereditary nonpolyposis, type 5; Hereditary non-polyposis colorectal cancer, type 5. Identifiers: Orphanet 144, MedGen C1833477, MONDO:0013710, OMIM 614350. Disease mechanism: loss of function.
Malignant tumor of breast. Also called: Malignant breast neoplasm; Cancer breast. Identifiers: MedGen C0006142, MONDO:0007254. Disease mechanism: loss of function.

Allele frequency attached by ClinVar (database versions not stated): ExAC 0.00028; gnomAD exomes 0.00032; gnomAD 0.00035 and 0.00037; TOPMed 0.00036; 1000 Genomes Project 0.00040; 1000 Genomes Project 30x 0.00047; ESP Exome Variant Server 0.00092.
gnomAD v4.1: 680 of 1,614,142 alleles (0.042%); highest among the groups gnomAD compares: Non-Finnish European, 0.054%; no homozygotes.

Submissions (25):

CeGaT Center for Human Genetics Tuebingen
Classification: Likely benign. Last evaluated: 2026-07-01. Review status: criteria provided, single submitter. Criteria: CeGaT Center For Human Genetics Tuebingen Variant Classification Criteria Version 2. Collection method: clinical testing. Allele origin: germline. Affected: yes. Observed: 5 variant alleles.
Comment: MSH6: BP4, BP7

Labcorp Genetics (formerly Invitae), Labcorp
Classification: Benign for Hereditary nonpolyposis colorectal neoplasms. Last evaluated: 2026-02-04. Review status: criteria provided, single submitter. Criteria: Invitae Variant Classification Sherloc (09022015). Collection method: clinical testing. Allele origin: germline.

Center for Genomic Medicine, Rigshospitalet, Copenhagen University Hospital
Classification: Likely benign. Last evaluated: 2025-03-04. Review status: criteria provided, single submitter. Criteria: ACMG Guidelines, 2015. Collection method: clinical testing. Allele origin: germline.

Myriad Genetics, Inc.
Classification: Benign for Lynch syndrome 5. Last evaluated: 2024-12-26. Review status: criteria provided, single submitter. Criteria: Myriad Autosomal Dominant, Autosomal Recessive and X-Linked Classification Criteria (2023). Collection method: clinical testing. Allele origin: unknown.
Comment: This variant is considered benign. This variant is a silent/synonymous amino acid change and it is not expected to impact splicing.

Blueprint Genetics
Classification: Likely benign. Last evaluated: 2024-07-22. Review status: criteria provided, single submitter. Criteria: ACMG Guidelines, 2015. Collection method: clinical testing. Allele origin: germline.

Hereditary Cancer Laboratory, Hospital Universitario 12 de Octubre
Classification: Likely benign for Hereditary cancer-predisposing syndrome. Last evaluated: 2024-03-12. Review status: criteria provided, single submitter. Criteria: ACMG Guidelines, 2015. Collection method: clinical testing. Allele origin: germline.
Comment: BP7+BP4

All of Us Research Program, National Institutes of Health
Classification: Likely benign for Lynch syndrome. Last evaluated: 2024-02-05. Review status: criteria provided, single submitter. Criteria: ACMG Guidelines, 2015. Collection method: clinical testing. Allele origin: germline. Inheritance: Autosomal dominant inheritance. Observed: 105 variant alleles, 105 heterozygotes.
Comment: This study involves interpretation of variants in research participants for the purpose of population health screening. Participant phenotype was not available at the time of variant classification. Additional details can be found in publication PMID: 35346344, PMCID: PMC8962531

Quest Diagnostics Nichols Institute San Juan Capistrano
Classification: Benign. Last evaluated: 2023-06-13. Review status: criteria provided, single submitter. Criteria: Quest Diagnostics criteria. Collection method: clinical testing. Allele origin: unknown.

CHEO Genetics Diagnostic Laboratory, Children's Hospital of Eastern Ontario
Classification: Likely benign for Breast and/or ovarian cancer. Last evaluated: 2023-03-01. Review status: criteria provided, single submitter. Criteria: ACMG Guidelines, 2015. Collection method: clinical testing. Allele origin: germline.

Genetic Services Laboratory, University of Chicago
Classification: Likely benign. Last evaluated: 2021-11-19. Review status: criteria provided, single submitter. Criteria: ACMG Guidelines, 2015. Collection method: clinical testing. Allele origin: germline. Affected: no.

Sema4
Classification: Likely benign for Hereditary cancer-predisposing syndrome. Last evaluated: 2021-04-26. Review status: criteria provided, single submitter. Criteria: Sema4 Curation Guidelines. Collection method: curation. Allele origin: germline.

Illumina Laboratory Services, Illumina
Classification: Uncertain significance for Lynch syndrome 5. Last evaluated: 2018-01-13. Review status: criteria provided, single submitter. Criteria: ICSL Variant Classification Criteria 13 December 2019. Collection method: clinical testing. Allele origin: germline.

PreventionGenetics, part of Exact Sciences
Classification: Likely benign. Last evaluated: 2017-11-01. Review status: criteria provided, single submitter. Criteria: ACMG Guidelines, 2015. Collection method: clinical testing. Allele origin: germline.

Clinical Genetics DNA and cytogenetics Diagnostics Lab, Erasmus MC, Erasmus Medical Center
Classification: Likely benign for Lynch syndrome 5. Last evaluated: 2017-06-28. Review status: criteria provided, single submitter. Criteria: ACGS Guidelines, 2013. Collection method: clinical testing. Allele origin: germline. Affected: yes. Study: VKGL Data-share Consensus.

Color Diagnostics, LLC DBA Color Health
Classification: Likely benign for Hereditary cancer-predisposing syndrome. Last evaluated: 2015-06-15. Review status: criteria provided, single submitter. Criteria: ACMG Guidelines, 2015. Collection method: clinical testing. Allele origin: germline.

Ambry Genetics
Classification: Likely benign for Hereditary cancer-predisposing syndrome. Last evaluated: 2014-08-25. Review status: criteria provided, single submitter. Criteria: Ambry Variant Classification Scheme 2023. Collection method: clinical testing. Allele origin: germline.

GeneDx
Classification: Benign. Last evaluated: 2014-02-25. Review status: criteria provided, single submitter. Criteria: GeneDx Variant Classification (06012015). Collection method: clinical testing. Allele origin: germline. Affected: yes.
Comment: This variant is considered likely benign or benign based on one or more of the following criteria: it is a conservative change, it occurs at a poorly conserved position in the protein, it is predicted to be benign by multiple in silico algorithms, and/or has population frequency not consistent with disease.

True Health Diagnostics
Classification: Likely benign for Hereditary cancer-predisposing syndrome. Last evaluated: 2018-08-03. Review status: no assertion criteria provided. Collection method: clinical testing. Allele origin: germline. Not counted in ClinVar's aggregate classification.

Genome Diagnostics Laboratory, Amsterdam University Medical Center
Classification: Likely benign for Lynch syndrome 5. Last evaluated: 2016-09-05. Review status: no assertion criteria provided. Criteria: ACGS Guidelines, 2013. Collection method: clinical testing. Allele origin: germline. Affected: yes. Study: VKGL Data-share Consensus. Not counted in ClinVar's aggregate classification.

Clinical Genetics, Academic Medical Center
Classification: Likely benign. Review status: no assertion criteria provided. Collection method: clinical testing. Allele origin: germline. Affected: yes. Study: VKGL Data-share Consensus. Not counted in ClinVar's aggregate classification.

Department of Pathology and Laboratory Medicine, Sinai Health System
Classification: Likely benign for Malignant tumor of breast. Review status: no assertion criteria provided. Collection method: clinical testing. Allele origin: unknown. Affected: yes. Study: The Canadian Open Genetics Repository (COGR). Not counted in ClinVar's aggregate classification.
Comment: The MSH6 p.Val483= variant was not identified in the literature. The variant was identified in dbSNP (ID: rs35590297) as "With other allele", ClinVar (classified as benign by Invitae and GeneDx; as likely benign by seven submitters), and in UMD-LSDB (2x as unclassified variant). The variant was identified in control databases in 92 of 276872 chromosomes at a frequency of 0.0003 (Genome Aggregation Database Feb 27, 2017). The variant was observed in the following populations: African in 3 of 24024 chromosomes (freq: 0.0001), Other in 3 of 6462 chromosomes (freq: 0.0005), Latino in 4 of 34382 chromosomes (freq: 0.0001), European in 75 of 126426 chromosomes (freq: 0.0006), Finnish in 7 of 25794 chromosomes (freq: 0.0003); it was not observed in the Ashkenazi Jewish, East Asian, or South Asian populations. The p.Val483= variant is not expected to have clinical significance because it does not result in a change of amino acid and is not located in a known consensus splice site. In addition, in silico or computational prediction software programs (SpliceSiteFinder, MaxEntScan, NNSPLICE, GeneSplicer) do not predict a difference in splicing. In summary, based on the above information the clinical significance of this variant cannot be determined with certainty at this time although we would lean towards a more benign role for this variant. This variant is classified as likely benign.

Diagnostic Laboratory, Department of Genetics, University Medical Center Groningen
Classification: Likely benign for Lynch syndrome 5. Review status: no assertion criteria provided. Collection method: clinical testing. Allele origin: germline. Affected: yes. Study: VKGL Data-share Consensus. Not counted in ClinVar's aggregate classification.

Genome Diagnostics Laboratory, University Medical Center Utrecht
Classification: Likely benign. Review status: no assertion criteria provided. Collection method: clinical testing. Allele origin: germline. Affected: yes. Study: VKGL Data-share Consensus. Not counted in ClinVar's aggregate classification.

Joint Genome Diagnostic Labs from Nijmegen and Maastricht, Radboudumc and MUMC+
Classification: Likely benign. Review status: no assertion criteria provided. Collection method: clinical testing. Allele origin: germline. Affected: yes. Study: VKGL Data-share Consensus. Not counted in ClinVar's aggregate classification.

Mayo Clinic Laboratories, Mayo Clinic
Classification: Likely benign. Review status: no assertion criteria provided. Collection method: research. Allele origin: unknown. Observed: 2 variant alleles. Not counted in ClinVar's aggregate classification.

NM_000179.3(MSH6):c.1449G>T (p.Val483=)

Gene: MSH6 (mutS homolog 6; plus strand). Cytogenetic location: 2p16.3.
Variant type: single nucleotide variant.
Coding change: c.1449G>T on transcript NM_000179.3 (MANE Select); coding-DNA position 1449, G replaced by T.
Protein change: p.Val483=; no amino-acid change (valine 483 retained).
Molecular consequence: synonymous variant.
Genome position (GRCh38, 1-based): chr2:47,799,432, G>T. VCF-style: chr2-47799432-G-T. GRCh37 (hg19) VCF-style: chr2-48026571-G-T.
Other names: p.V483V:GTG>GTT; c.1059G>T, p.Val353= (NM_001281492.2); c.543G>T, p.Val181= (NM_001281493.2, NM_001281494.2).
Identifiers: ClinVar variation 135829 (VCV000135829.86), dbSNP rs35590297, ClinGen allele CA008638.